The following is an entry in ClinVar:

ClinVar aggregate classification (germline): Conflicting classifications of pathogenicity. Review status: criteria provided, conflicting classifications (1 of 4 stars). 3 submissions from 3 submitters: Pathogenic (1); Likely pathogenic (1); Uncertain significance (1). Last evaluated 2025-07-16.

Conditions:
KCNV2-related disorder. Also called: KCNV2-related condition.

Submissions (3):

Labcorp Genetics (formerly Invitae), Labcorp
Classification: Pathogenic. Last evaluated: 2025-07-16. Review status: criteria provided, single submitter. Criteria: Invitae Variant Classification Sherloc (09022015). Collection method: clinical testing. Allele origin: germline.
Comment: This sequence change creates a premature translational stop signal (p.Ala259Profs*63) in the KCNV2 gene. It is expected to result in an absent or disrupted protein product. Loss-of-function variants in KCNV2 are known to be pathogenic (PMID: 16909397, 18235024). This variant is present in population databases (rs753147277, gnomAD 0.02%). This premature translational stop signal has been observed in individual(s) with cone-rod dystrophy (internal data). ClinVar contains an entry for this variant (Variation ID: 1069533). For these reasons, this variant has been classified as Pathogenic.

PreventionGenetics, part of Exact Sciences
Classification: Likely pathogenic for KCNV2-related condition. Last evaluated: 2025-01-20. Review status: criteria provided, single submitter. Criteria: ACMG Guidelines, 2015. Collection method: clinical testing. Allele origin: germline.
Comment: The KCNV2 c.774delC variant is predicted to result in a frameshift and premature protein termination (p.Ala259Profs*63). To our knowledge, this variant has not been reported in individuals with KCNV2-related conditions. This variant is reported in 0.021% of alleles in individuals of Latino descent in gnomAD. Frameshift variants in KCNV2 are expected to be pathogenic. This variant is interpreted as likely pathogenic.

GeneDx
Classification: Uncertain significance. Last evaluated: 2024-12-09. Review status: criteria provided, single submitter. Criteria: GeneDx Variant Classification Process June 2021. Collection method: clinical testing. Allele origin: germline. Affected: yes.
Comment: Frameshift variant predicted to result in protein truncation or nonsense mediated decay in a gene for which loss of function is a known mechanism of disease; Has not been previously published as pathogenic or benign to our knowledge; This variant is associated with the following publications: (PMID: 31964843)

Literature cited by the submitters: PubMed 16909397 (cited by Labcorp Genetics (formerly Invitae), Labcorp); PubMed 18235024 (cited by Labcorp Genetics (formerly Invitae), Labcorp).

NM_133497.4(KCNV2):c.774del (p.Ala259fs)

Gene: KCNV2 (potassium voltage-gated channel modifier subfamily V member 2; plus strand). Cytogenetic location: 9p24.2.
Variant type: Deletion.
Coding change: c.774del on transcript NM_133497.4 (MANE Select); coding-DNA position 774, one base deleted (C; older notation c.774delC).
Protein change: p.Ala259fs; shifts the reading frame from alanine 259.
Molecular consequence: frameshift variant.
Genome position (GRCh38, 1-based): chr9:2,718,513, C deleted; the last of 2 consecutive C bases (chr9:2,718,512-2,718,513); deleting either gives the same sequence. VCF-style (leftmost placement, unchanged base first): chr9-2718511-GC-G. GRCh37 (hg19) VCF-style: chr9-2718511-GC-G.
Other names: c.774del (NM_133497.3); c.774delC (NM_133497.3); short protein forms A259fs.
Identifiers: ClinVar variation 1069533 (VCV001069533.8), dbSNP rs753147277, ClinGen allele CA4965614.
Genomic context (GRCh38, chr9:2,718,511, plus strand): 5'-TTCTACGGCCCGCAGCGGCGCCGCCTCTGGAACCTCATGGAGAAGCCATTCTCCTCGGTG[GC>G]CGCCAAGGCCATCGGGGTGGCCTCCAGCACCTTCGTGCTCGTCTCCGTGGTGGCGCTGGC-3'